The following is an entry in ClinVar:

ClinVar aggregate classification (germline): Uncertain significance. Review status: criteria provided, multiple submitters, no conflicts (2 of 4 stars). 2 submissions from 2 submitters: Uncertain significance (2). Last evaluated 2025-04-28.

Conditions:
Hereditary cancer-predisposing syndrome. Also called: Neoplastic Syndromes, Hereditary; Tumor predisposition; Hereditary Cancer Syndrome; Hereditary neoplastic syndrome. Identifiers: Orphanet 140162, MedGen C0027672, MeSH D009386, MONDO:0015356.
Neuroblastoma, susceptibility to, 3. Also called: ALK-Related Neuroblastic Tumor Susceptibility. Identifiers: Orphanet 635, MedGen C2751681, MONDO:0013083, OMIM 613014.

Submissions (2):

Ambry Genetics
Classification: Uncertain significance for Hereditary cancer-predisposing syndrome. Last evaluated: 2025-04-28. Review status: criteria provided, single submitter. Criteria: Ambry Variant Classification Scheme 2023. Collection method: clinical testing. Allele origin: germline.
Comment: The p.H1176N variant (also known as c.3526C>A), located in coding exon 23 of the ALK gene, results from a C to A substitution at nucleotide position 3526. The histidine at codon 1176 is replaced by asparagine, an amino acid with similar properties. This amino acid position is conserved. In addition, this alteration is predicted to be deleterious by in silico analysis. Based on the available evidence, the clinical significance of this variant remains unclear.

Labcorp Genetics (formerly Invitae), Labcorp
Classification: Uncertain significance for Neuroblastoma, susceptibility to, 3. Last evaluated: 2017-09-28. Review status: criteria provided, single submitter. Criteria: Invitae Variant Classification Sherloc (09022015). Collection method: clinical testing. Allele origin: germline.
Comment: This sequence change replaces histidine with asparagine at codon 1176 of the ALK protein (p.His1176Asn). The histidine residue is highly conserved and there is a small physicochemical difference between histidine and asparagine. This variant is not present in population databases (ExAC no frequency). This variant has not been reported in the literature in individuals with ALK-related disease. Algorithms developed to predict the effect of missense changes on protein structure and function (SIFT, PolyPhen-2, Align-GVGD) all suggest that this variant is likely to be disruptive, but these predictions have not been confirmed by published functional studies and their clinical significance is uncertain. In summary, the available evidence is currently insufficient to determine the role of this variant in disease. Therefore, it has been classified as a Variant of Uncertain Significance.

NM_004304.5(ALK):c.3526C>A (p.His1176Asn)

Gene: ALK (ALK receptor tyrosine kinase; minus strand). Cytogenetic location: 2p23.2.
Variant type: single nucleotide variant.
Coding change: c.3526C>A on transcript NM_004304.5 (MANE Select); coding-DNA position 3526, C replaced by A.
Protein change: p.His1176Asn; replaces histidine 1176 with asparagine.
Molecular consequence: missense variant.
Genome position (GRCh38, 1-based): chr2:29,220,825, G>T on the plus strand (C>A on the coding strand, the complement: ALK is on the minus strand). VCF-style: chr2-29220825-G-T. GRCh37 (hg19) VCF-style: chr2-29443691-G-T.
Other names: c.322C>A, p.His108Asn (NM_001353765.2); short protein forms H1176N, H108N.
Identifiers: ClinVar variation 538193 (VCV000538193.9), dbSNP rs1553393928, ClinGen allele CA346473181.
Genomic context (GRCh38, chr2:29,220,825, plus strand): 5'-GCAGGATGAACCGGGGCAGGGATTGCAGGCTCACCCCAATGCAGCGAACAATGTTCTGGT[G>T]GTTGAATTTGCTGCAGAGCAGAGAGGGATGTAACCAAAATTAACTGAGCTGAGTCTGGGC-3'
Protein context (NP_004295.2, residues 1166-1186): MEALIISKFN[His1176Asn]QNIVRCIGVS